The following is an entry in ClinVar:

ClinVar aggregate classification (germline): Likely benign. Review status: criteria provided, multiple submitters, no conflicts (2 of 4 stars). 2 submissions from 2 submitters: Likely benign (2). Last evaluated 2024-12-02.

Allele frequency attached by ClinVar (database versions not stated): ESP Exome Variant Server 0.00318.

Submissions (2):

GeneDx
Classification: Likely benign. Last evaluated: 2024-12-02. Review status: criteria provided, single submitter. Criteria: GeneDx Variant Classification Process June 2021. Collection method: clinical testing. Allele origin: germline. Affected: yes.
Comment: See Variant Classification Assertion Criteria.

CeGaT Center for Human Genetics Tuebingen
Classification: Likely benign. Last evaluated: 2024-03-01. Review status: criteria provided, single submitter. Criteria: CeGaT Center For Human Genetics Tuebingen Variant Classification Criteria Version 2. Collection method: clinical testing. Allele origin: germline. Affected: yes. Observed: 6 variant alleles.
Comment: CACNA1B: BS1

NM_000718.4(CACNA1B):c.228C>G (p.Phe76Leu)

Genes: CACNA1B (calcium voltage-gated channel subunit alpha1 B; plus strand), CACNA1B-AS2 (CACNA1B antisense RNA 2; minus strand). Cytogenetic location: 9q34.3.
Variant type: single nucleotide variant.
Coding change: c.228C>G on transcript NM_000718.4 (MANE Select); coding-DNA position 228, C replaced by G.
Protein change: p.Phe76Leu; replaces phenylalanine 76 with leucine.
Molecular consequence: missense variant.
Genome position (GRCh38, 1-based): chr9:137,878,161, C>G. VCF-style: chr9-137878161-C-G. GRCh37 (hg19) VCF-style: chr9-140772613-C-G.
Other names: c.228C>G, p.Phe76Leu (NM_001243812.2); short protein forms F76L.
Identifiers: ClinVar variation 1317106 (VCV001317106.28), dbSNP rs139719558, ClinGen allele CA5375658.